The following is an entry in ClinVar:

NM_002232.5(KCNA3):c.1088T>G (p.Leu363Arg)

Gene: KCNA3 (potassium voltage-gated channel subfamily A member 3; minus strand). Cytogenetic location: 1p13.3.
Variant type: single nucleotide variant.
Coding change: c.1088T>G on transcript NM_002232.5 (MANE Select); coding-DNA position 1088, T replaced by G.
Protein change: p.Leu363Arg; replaces leucine 363 with arginine.
Molecular consequence: missense variant.
Genome position (GRCh38, 1-based): chr1:110,673,722, A>C on the plus strand (T>G on the coding strand, the complement: KCNA3 is on the minus strand). VCF-style: chr1-110673722-A-C. GRCh37 (hg19) VCF-style: chr1-111216344-A-C.
Other names: short protein forms L363R.
Identifiers: ClinVar variation 4855500 (VCV004855500.1).
Genomic context (GRCh38, chr1:110,673,722, plus strand): 5'-CCCTTGGAGTGGCGCGACAGCTTGAAGATGCGGAAGACCCTTACCAGGCGGATGACCCTC[A>C]GGATGGCCAGAGACATGGCCTGCTGTCCATTGCCCTGTCGTTCGGCCAGCTCGGTACCCA-3'
Protein context (NP_002223.3, residues 353-373): NGQQAMSLAI[Leu363Arg]RVIRLVRVFR

ClinVar aggregate classification (germline): Uncertain significance (1 of 4 stars; one submission).

Conditions:
KCNA3-related disorder. Also called: KCNA3-related condition.

Submission:

3billion
Classification: Uncertain significance for KCNA3-related disorder. Last evaluated: 2025-07-06. Review status: criteria provided, single submitter. Criteria: ACMG Guidelines, 2015. Collection method: clinical testing. Allele origin: germline. Affected: yes.
Comment: The variant is not observed in the gnomAD v4.1.0 dataset. Predicted Consequence/Location: Missense variant. Missense changes are a common disease-causing mechanism. In silico tool predictions suggest damaging effect of the variant on gene or gene product [REVEL: 0.98 (>=0.6, sensitivity 0.68 and specificity 0.92); 3Cnet: 0.99 (> 0.75, sensitivity 0.96 and precision 0.92)]. Therefore, this variant is classified as VUS according to the recommendation of ACMG/AMP guideline.